The following is an entry in ClinVar:

ClinVar aggregate classification (germline): Uncertain significance (3 of 4 stars; one submission).

Conditions:
Monogenic diabetes. Identifiers: Orphanet 183625, MedGen C3888631, MONDO:0015967.

Submission:

ClinGen Monogenic Diabetes Variant Curation Expert Panel
Classification: Uncertain significance for Monogenic diabetes. Last evaluated: 2024-10-13. Review status: reviewed by expert panel. Criteria: ClinGen Diabetes ACMG Specifications HNF1A V2.1.0. Collection method: curation. Allele origin: germline. Inheritance: Autosomal dominant inheritance.
Comment: The c.805G>C variant in the HNF1 homeobox A gene, HNF1A, causes an amino acid change of alanine to proline at codon 269 (p.(Ala269Pro)) of NM_000545.8. This variant is located within a conserved region of the DNA binding domain (codons 107-174 and 201-280) of HNF1A, which is defined as critical for the protein’s function by the ClinGen MDEP (PM1_Supporting). Additonally, this variant is predicted to be deleterious by computational evidence, with a REVEL score of 0.947, which is greater than the MDEP VCEP threshold of 0.70 (PP3). This variant is absent from gnomAD from gnomAD v2.1.1 (PM2_Supporting). This variant has only been detected in one case of diabetes, which is below the MDEP VCEP threshold to apply PS4_Moderate (PMID: 21224407). Additionally, there was no individual level data provided and it was unclear if HNF4A was tested, therefore PP4 will not be applied (PMID: 21224407). Another missense variant, c.806C>A, p.(Ala269Asp), has been classified as a VUS by the ClinGen MDEP; therefore, PM5 will not be applied. In summary, c.805G>C meets the criteria to be classified as a variant of uncertain significance for monogenic diabetes. ACMG/AMP criteria applied, as specified by the ClinGen MDEP VCEP (specification version 2.1.1, approved 8/11/2023): PM1_Supporting, PP3, PM2_Supporting.

NM_000545.8(HNF1A):c.805G>C (p.Ala269Pro)

Gene: HNF1A (HNF1 homeobox A; plus strand). Cytogenetic location: 12q24.31.
Variant type: single nucleotide variant.
Coding change: c.805G>C on transcript NM_000545.8 (MANE Select); coding-DNA position 805, G replaced by C.
Protein change: p.Ala269Pro; replaces alanine 269 with proline.
Molecular consequence: missense variant.
Genome position (GRCh38, 1-based): chr12:120,994,255, G>C. VCF-style: chr12-120994255-G-C. GRCh37 (hg19) VCF-style: chr12-121432058-G-C.
Other names: NM_001306179.2:c.805G>C; c.805G>C, p.Ala269Pro (NM_001306179.2, NM_001406915.1); short protein forms A269P.
Identifiers: ClinVar variation 3370454 (VCV003370454.1).